The following is an entry in ClinVar:

Conditions:
Breast-ovarian cancer, familial, susceptibility to, 1 (BROVCA1). Also called: BRCA1 Hereditary Breast and Ovarian Cancer; OVARIAN CANCER, SUSCEPTIBILITY TO. Identifiers: Orphanet 145, MedGen C2676676, MONDO:0011450, OMIM 604370. Disease mechanism: loss of function.

Submission:

Brotman Baty Institute, University of Washington
No classification provided (evidence only). Condition: Breast-ovarian cancer, familial 1. Review status: no classification provided. Collection method: in vitro. Allele origin: not applicable. Functional consequence: functionally_normal.
ClinVar note: "not provided" was previously submitted as the classification for the variant. However, the classification appeared to be based only on an observation of functional data so it was converted to no classification on 2025-07-30.

NM_007294.4(BRCA1):c.5118A>C (p.Gly1706=)

Gene: BRCA1 (BRCA1 DNA repair associated; minus strand). Cytogenetic location: 17q21.31.
Variant type: single nucleotide variant.
Coding change: c.5118A>C on transcript NM_007294.4 (MANE Select); coding-DNA position 5118, A replaced by C.
Protein change: p.Gly1706=; no amino-acid change (glycine 1706 retained).
Molecular consequence: synonymous variant. On other transcripts: intron variant (2).
Genome position (GRCh38, 1-based): chr17:43,063,908, T>G on the plus strand (A>C on the coding strand, the complement: BRCA1 is on the minus strand). VCF-style: chr17-43063908-T-G. GRCh37 (hg19) VCF-style: chr17-41215925-T-G.
Other names: c.5106A>C, p.Gly1702= (NM_001407646.1); c.5103A>C, p.Gly1701= (NM_001407647.1); c.5061A>C, p.Gly1687= (NM_001407648.1); c.5058A>C, p.Gly1686= (NM_001407649.1); c.5040A>C, p.Gly1680= (NM_001407653.1, NM_001407654.1, NM_001407655.1); c.5037A>C, p.Gly1679= (NM_001407656.1, NM_001407657.1, NM_001407658.1); c.5034A>C, p.Gly1678= (NM_001407659.1, NM_001407660.1, NM_001407661.1 and 2 more transcripts); c.4995A>C, p.Gly1665= (NM_001407664.1, NM_001407665.1, NM_001407666.1 and 6 more transcripts); and 73 more.
Identifiers: ClinVar variation 869052 (VCV000869052.3), dbSNP rs2051919981, ClinGen allele CA500146187.